The following is an entry in ClinVar:

NM_006231.4(POLE):c.1004T>G (p.Phe335Cys)

Gene: POLE (DNA polymerase epsilon, catalytic subunit; minus strand). Cytogenetic location: 12q24.33.
Variant type: single nucleotide variant.
Coding change: c.1004T>G on transcript NM_006231.4 (MANE Select); coding-DNA position 1004, T replaced by G.
Protein change: p.Phe335Cys; replaces phenylalanine 335 with cysteine.
Molecular consequence: missense variant.
Genome position (GRCh38, 1-based): chr12:132,676,110, A>C on the plus strand (T>G on the coding strand, the complement: POLE is on the minus strand). VCF-style: chr12-132676110-A-C. GRCh37 (hg19) VCF-style: chr12-133252696-A-C.
Other names: c.1004T>G (NM_006231.2); short protein forms F335C.
Identifiers: ClinVar variation 801255 (VCV000801255.10), dbSNP rs1593078268, ClinGen allele CA387363480.
Genomic context (GRCh38, chr12:132,676,110, plus strand): 5'-TCTTCCCACAATACCGGGTAGTTTCCCAAGTGATACCTCCTTACCTCATCGGGTTCATTG[A>C]AGACACAAAAGGGGCCTTCATATTCTGGCTTGGGGGTGAACTCAAAATCTTCAATATCTT-3'
Protein context (NP_006222.2, residues 325-345): KPEYEGPFCV[Phe335Cys]NEPDEAHLIQ

ClinVar aggregate classification (germline): Uncertain significance. Review status: criteria provided, multiple submitters, no conflicts (2 of 4 stars). 3 submissions from 3 submitters: Uncertain significance (3). Last evaluated 2025-09-27.

Conditions:
Hereditary cancer-predisposing syndrome. Also called: Tumor predisposition; Neoplastic Syndromes, Hereditary; Hereditary Cancer Syndrome; Hereditary neoplastic syndrome. Identifiers: Orphanet 140162, MedGen C0027672, MeSH D009386, MONDO:0015356.

Allele frequency attached by ClinVar (database versions not stated): gnomAD exomes below 0.00001.
gnomAD v4.1: 9 of 1,606,702 alleles (0.00056%); highest among the groups gnomAD compares: African/African-American, 0.004%; no homozygotes.

Submissions (3):

Labcorp Genetics (formerly Invitae), Labcorp
Classification: Uncertain significance. Last evaluated: 2025-09-27. Review status: criteria provided, single submitter. Criteria: Invitae Variant Classification Sherloc (09022015). Collection method: clinical testing. Allele origin: germline.
Comment: This sequence change replaces phenylalanine, which is neutral and non-polar, with cysteine, which is neutral and slightly polar, at codon 335 of the POLE protein (p.Phe335Cys). This variant is not present in population databases (gnomAD no frequency). This variant has not been reported in the literature in individuals affected with POLE-related conditions. ClinVar contains an entry for this variant (Variation ID: 801255). Invitae Evidence Modeling of protein sequence and biophysical properties (such as structural, functional, and spatial information, amino acid conservation, physicochemical variation, residue mobility, and thermodynamic stability) has been performed for this missense variant. However, the output from this modeling did not meet the statistical confidence thresholds required to predict the impact of this variant on POLE protein function. In summary, the available evidence is currently insufficient to determine the role of this variant in disease. Therefore, it has been classified as a Variant of Uncertain Significance.

Ambry Genetics
Classification: Uncertain significance for Hereditary cancer-predisposing syndrome. Last evaluated: 2024-03-22. Review status: criteria provided, single submitter. Criteria: Ambry Variant Classification Scheme 2023. Collection method: clinical testing. Allele origin: germline.
Comment: The p.F335C variant (also known as c.1004T>G), located in coding exon 10 of the POLE gene, results from a T to G substitution at nucleotide position 1004. The phenylalanine at codon 335 is replaced by cysteine, an amino acid with highly dissimilar properties. This variant was reported within a cohort of 107 colorectal cancer patients of indigenous African origin (Yildiz S et al. Front Oncol, 2023 Oct;13:1253867). This amino acid position is highly conserved in available vertebrate species. In addition, the in silico prediction for this alteration is inconclusive. Based on the available evidence, the clinical significance of this alteration remains unclear.

Quest Diagnostics Nichols Institute San Juan Capistrano
Classification: Uncertain significance. Last evaluated: 2019-01-11. Review status: criteria provided, single submitter. Criteria: Quest Diagnostics criteria. Collection method: clinical testing. Allele origin: germline.

Literature cited by the submitters: PubMed 37965459 (cited by Ambry Genetics).